The following is an entry in ClinVar:

ClinVar aggregate classification (germline): Pathogenic/Likely pathogenic. Review status: criteria provided, multiple submitters, no conflicts (2 of 4 stars). 2 submissions from 2 submitters: Pathogenic (1); Likely pathogenic (1). Last evaluated 2024-06-12.

Conditions:
Retinitis pigmentosa 39 (RP39). Identifiers: Orphanet 791, MedGen C3151138, MONDO:0013436, OMIM 613809.

Submissions (2):

Labcorp Genetics (formerly Invitae), Labcorp
Classification: Pathogenic. Last evaluated: 2024-06-12. Review status: criteria provided, single submitter. Criteria: Invitae Variant Classification Sherloc (09022015). Collection method: clinical testing. Allele origin: germline.
Comment: This sequence change creates a premature translational stop signal (p.Tyr4934*) in the USH2A gene. It is expected to result in an absent or disrupted protein product. Loss-of-function variants in USH2A are known to be pathogenic (PMID: 10729113, 10909849, 20507924, 25649381). This variant is not present in population databases (gnomAD no frequency). This premature translational stop signal has been observed in individual(s) with Usher syndrome (PMID: 26927203). Algorithms developed to predict the effect of sequence changes on RNA splicing suggest that this variant may create or strengthen a splice site. For these reasons, this variant has been classified as Pathogenic.

Baylor Genetics
Classification: Likely pathogenic for Retinitis pigmentosa 39. Last evaluated: 2023-11-15. Review status: criteria provided, single submitter. Criteria: ACMG Guidelines, 2015. Collection method: clinical testing. Allele origin: unknown.

Literature cited by the submitters: PubMed 10729113 (cited by Labcorp Genetics (formerly Invitae), Labcorp); PubMed 10909849 (cited by Labcorp Genetics (formerly Invitae), Labcorp); PubMed 20507924 (cited by Labcorp Genetics (formerly Invitae), Labcorp); PubMed 25649381 (cited by Labcorp Genetics (formerly Invitae), Labcorp); PubMed 26927203 (cited by Labcorp Genetics (formerly Invitae), Labcorp).

NM_206933.4(USH2A):c.14802C>A (p.Tyr4934Ter)

Gene: USH2A (usherin; minus strand). Cytogenetic location: 1q41.
Variant type: single nucleotide variant.
Coding change: c.14802C>A on transcript NM_206933.4 (MANE Select); coding-DNA position 14802, C replaced by A.
Protein change: p.Tyr4934Ter; replaces tyrosine 4934 with a stop codon.
Molecular consequence: nonsense.
Genome position (GRCh38, 1-based): chr1:215,640,724, G>T on the plus strand (C>A on the coding strand, the complement: USH2A is on the minus strand). VCF-style: chr1-215640724-G-T. GRCh37 (hg19) VCF-style: chr1-215814066-G-T.
Other names: short protein forms Y4934*.
Identifiers: ClinVar variation 2679469 (VCV002679469.4), dbSNP rs2464789623, ClinGen allele CA344828588.